The following is an entry in ClinVar:

NM_000051.4(ATM):c.1952T>C (p.Leu651Pro)

Gene: ATM (ATM serine/threonine kinase; plus strand). Cytogenetic location: 11q22.3.
Variant type: single nucleotide variant.
Coding change: c.1952T>C on transcript NM_000051.4 (MANE Select); coding-DNA position 1952, T replaced by C.
Protein change: p.Leu651Pro; replaces leucine 651 with proline.
Molecular consequence: missense variant.
Genome position (GRCh38, 1-based): chr11:108,253,867, T>C. VCF-style: chr11-108253867-T-C. GRCh37 (hg19) VCF-style: chr11-108124594-T-C.
Other names: c.1952T>C, p.Leu651Pro (NM_001351834.2); short protein forms L651P.
Identifiers: ClinVar variation 482657 (VCV000482657.19), dbSNP rs1555073179, ClinGen allele CA382536697.

ClinVar aggregate classification (germline): Uncertain significance. Review status: criteria provided, multiple submitters, no conflicts (2 of 4 stars). 6 submissions from 6 submitters: Uncertain significance (6). Last evaluated 2026-03-17.

Conditions:
Hereditary cancer-predisposing syndrome. Also called: Tumor predisposition; Hereditary Cancer Syndrome; Hereditary neoplastic syndrome; Neoplastic Syndromes, Hereditary. Identifiers: Orphanet 140162, MedGen C0027672, MeSH D009386, MONDO:0015356.
Ataxia-telangiectasia syndrome (AT). Also called: Ataxia-telangiectasia, complementation group E; Ataxia telangiectasia (A-T); LOUIS-BAR SYNDROME; Cerebello-oculocutaneous telangiectasia; Immunodeficiency with ataxia telangiectasia; Ataxia-telangiectasia, complementation group D. Identifiers: Orphanet 100, MedGen C0004135, MONDO:0008840, OMIM 208900.
ATM-related cancer predisposition. Also called: ATM-related cancer susceptibility. Identifiers: MedGen CN377759, MONDO:0700270.

Allele frequency attached by ClinVar (database versions not stated): gnomAD exomes below 0.00001.
gnomAD v4.1: 1 of 1,614,034 alleles (0.000062%); highest among the groups gnomAD compares: Non-Finnish European, 0.000085%; no homozygotes.

Submissions (6):

Women's Health and Genetics/Laboratory Corporation of America, LabCorp
Classification: Uncertain significance. Last evaluated: 2026-03-17. Review status: criteria provided, single submitter. Criteria: LabCorp Variant Classification Summary - May 2015. Collection method: clinical testing. Allele origin: germline.
Comment: Variant summary: ATM c.1952T>C (p.Leu651Pro) results in a non-conservative amino acid change in the encoded protein sequence. Algorithms developed to predict the effect of missense changes on protein structure and function are either unavailable or do not agree on the potential impact of this missense change. The variant was absent in 251300 control chromosomes. The available data on variant occurrences in the general population are insufficient to allow any conclusion about variant significance. c.1952T>C has been observed in an individual affected with breast cancer and in controls (Paglia_2010). This report does not provide unequivocal conclusions about association of the variant with ATM-related conditions. To our knowledge, no experimental evidence demonstrating an impact on protein function has been reported. The following publication has been ascertained in the context of this evaluation (PMID: 19404735). ClinVar contains an entry for this variant (Variation ID: 482657). Based on the evidence outlined above, the variant was classified as uncertain significance.

Hema, HEMA – Genetic and Molecular Diagnostic Laboratory
Classification: Uncertain significance for ATM-related cancer predisposition. Last evaluated: 2026-02-19. Review status: criteria provided, single submitter. Criteria: HEMA Variant Classification Assertion Criteria. Collection method: clinical testing. Allele origin: germline.
Comment: It is a transition from thymine to cytosine, resulting in the substitution of leucine 651 with proline in the ATM protein. PM2_Supporting: Present at very low frequency in the gnomAD v4.1.0 database.

Labcorp Genetics (formerly Invitae), Labcorp
Classification: Uncertain significance for Ataxia-telangiectasia syndrome. Last evaluated: 2025-06-19. Review status: criteria provided, single submitter. Criteria: Invitae Variant Classification Sherloc (09022015). Collection method: clinical testing. Allele origin: germline.
Comment: This sequence change replaces leucine, which is neutral and non-polar, with proline, which is neutral and non-polar, at codon 651 of the ATM protein (p.Leu651Pro). This variant is not present in population databases (gnomAD no frequency). This missense change has been observed in individual(s) with breast cancer (PMID: 19404735). ClinVar contains an entry for this variant (Variation ID: 482657). Invitae Evidence Modeling of protein sequence and biophysical properties (such as structural, functional, and spatial information, amino acid conservation, physicochemical variation, residue mobility, and thermodynamic stability) indicates that this missense variant is not expected to disrupt ATM protein function with a negative predictive value of 95%. In summary, the available evidence is currently insufficient to determine the role of this variant in disease. Therefore, it has been classified as a Variant of Uncertain Significance.

Ambry Genetics
Classification: Uncertain significance for Hereditary cancer-predisposing syndrome. Last evaluated: 2024-11-12. Review status: criteria provided, single submitter. Criteria: Ambry Variant Classification Scheme 2023. Collection method: clinical testing. Allele origin: germline.
Comment: The p.L651P variant (also known as c.1952T>C), located in coding exon 12 of the ATM gene, results from a T to C substitution at nucleotide position 1952. The leucine at codon 651 is replaced by proline, an amino acid with similar properties. This variant was identified in 1/122 early-onset breast cancer cases who also had family history of breast and/or ovarian cancer as well as hematological malignancy and in 4/186 controls (Paglia LL et al. Breast Cancer Res. Treat., 2010 Jan;119:443-52). This amino acid position is highly conserved in available vertebrate species. In addition, the in silico prediction for this alteration is inconclusive. Based on the available evidence, the clinical significance of this variant remains unclear.

Color Diagnostics, LLC DBA Color Health
Classification: Uncertain significance for Hereditary cancer-predisposing syndrome. Last evaluated: 2023-07-01. Review status: criteria provided, single submitter. Criteria: ACMG Guidelines, 2015. Collection method: clinical testing. Allele origin: germline.
Comment: This missense variant replaces leucine with proline at codon 651 of the ATM protein. Computational prediction suggests that this variant may not impact protein structure and function (internally defined REVEL score threshold <= 0.5, PMID: 27666373). To our knowledge, functional studies have not been reported for this variant. This variant has been reported in an individual affected with breast cancer as well as in unaffected controls (PMID: 19404735). This variant has not been identified in the general population by the Genome Aggregation Database (gnomAD). The available evidence is insufficient to determine the role of this variant in disease conclusively. Therefore, this variant is classified as a Variant of Uncertain Significance.

Blueprint Genetics
Classification: Uncertain significance. Last evaluated: 2023-04-06. Review status: criteria provided, single submitter. Criteria: ACMG Guidelines, 2015. Collection method: clinical testing. Allele origin: germline.

Literature cited by the submitters: PubMed 19404735 (cited by 4 submitters).